The following is an entry in ClinVar:

ClinVar aggregate classification (germline): Uncertain significance (1 of 4 stars; one submission).

Conditions:
Rhabdoid tumor predisposition syndrome 2 (RTPS2). Identifiers: Orphanet 231108, Orphanet 69077, MedGen C2750074, MONDO:0013224, OMIM 613325.

Submission:

Labcorp Genetics (formerly Invitae), Labcorp
Classification: Uncertain significance for Rhabdoid tumor predisposition syndrome 2. Last evaluated: 2024-01-17. Review status: criteria provided, single submitter. Criteria: Invitae Variant Classification Sherloc (09022015). Collection method: clinical testing. Allele origin: germline.
Comment: This sequence change replaces glutamic acid, which is acidic and polar, with aspartic acid, which is acidic and polar, at codon 474 of the SMARCA4 protein (p.Glu474Asp). This variant is not present in population databases (gnomAD no frequency). This variant has not been reported in the literature in individuals affected with SMARCA4-related conditions. ClinVar contains an entry for this variant (Variation ID: 946177). An algorithm developed to predict the effect of missense changes on protein structure and function (PolyPhen-2) suggests that this variant is likely to be tolerated. In summary, the available evidence is currently insufficient to determine the role of this variant in disease. Therefore, it has been classified as a Variant of Uncertain Significance.

NM_003072.5(SMARCA4):c.1422A>C (p.Glu474Asp)

Gene: SMARCA4 (SWI/SNF related BAF chromatin remodeling complex subunit ATPase 4; plus strand). Cytogenetic location: 19p13.2.
Variant type: single nucleotide variant.
Coding change: c.1422A>C on transcript NM_003072.5 (MANE Select); coding-DNA position 1422, A replaced by C.
Protein change: p.Glu474Asp; replaces glutamic acid 474 with aspartic acid.
Molecular consequence: missense variant. On other transcripts: non-coding transcript variant (1).
Genome position (GRCh38, 1-based): chr19:10,994,830, A>C. VCF-style: chr19-10994830-A-C. GRCh37 (hg19) VCF-style: chr19-11105506-A-C.
Other names: c.1422A>C, p.Glu474Asp (NM_001128844.3, NM_001128845.2, NM_001128846.2 and 4 more transcripts); short protein forms E474D.
Identifiers: ClinVar variation 946177 (VCV000946177.9), dbSNP rs2086879917, ClinGen allele CA404061942.
Genomic context (GRCh38, chr19:10,994,830, plus strand): 5'-GGAGATGTGTCCACCATGCTGCTGAAGGGTCAGCCTTCTCTTTTGTGCTTTCCTGCAGGA[A>C]TACCTCAATAGCATTCTCCAGCATGCCAAGGATTTCAAGGAATATCACAGATCCGTCACA-3'
Protein context (NP_003063.2, residues 464-484): QERKRRQKHQ[Glu474Asp]YLNSILQHAK